The following is an entry in ClinVar:

ClinVar aggregate classification (germline): Uncertain significance (1 of 4 stars; one submission).

Allele frequency attached by ClinVar (database versions not stated): gnomAD 0.00002.
gnomAD v4.1: 3 of 152,106 alleles (0.002%); highest among the groups gnomAD compares: African/African-American, 0.0048%; no homozygotes.

Submission:

Labcorp Genetics (formerly Invitae), Labcorp
Classification: Uncertain significance. Last evaluated: 2024-02-23. Review status: criteria provided, single submitter. Criteria: Invitae Variant Classification Sherloc (09022015). Collection method: clinical testing. Allele origin: germline.
Comment: This variant occurs in a non-coding region of the EYS gene. It does not change the encoded amino acid sequence of the EYS protein. This variant is not present in population databases (gnomAD no frequency). This variant has not been reported in the literature in individuals affected with EYS-related conditions. ClinVar contains an entry for this variant (Variation ID: 1507392). Experimental studies and prediction algorithms are not available or were not evaluated, and the functional significance of this variant is currently unknown. In summary, the available evidence is currently insufficient to determine the role of this variant in disease. Therefore, it has been classified as a Variant of Uncertain Significance.

NM_001142800.2(EYS):c.-424C>A

Gene: EYS (EGF-like photoreceptor maintenance factor; minus strand). Cytogenetic location: 6q12.
Variant type: single nucleotide variant.
Coding change: c.-424C>A on transcript NM_001142800.2 (MANE Select); 424 bases upstream of the start codon, C replaced by A.
Molecular consequence: 5 prime UTR variant.
Genome position (GRCh38, 1-based): chr6:65,639,869, G>T on the plus strand (C>A on the coding strand, the complement: EYS is on the minus strand). VCF-style: chr6-65639869-G-T. GRCh37 (hg19) VCF-style: chr6-66349762-G-T.
Other names: c.-424C>A (NM_001142801.2, NM_001292009.2).
Identifiers: ClinVar variation 1507392 (VCV001507392.5), dbSNP rs1287269096, ClinGen allele CA1089927167.